The following is an entry in ClinVar:

ClinVar aggregate classification (germline): Likely pathogenic (1 of 4 stars; one submission).

Conditions:
Hereditary coproporphyria (HCP). Also called: Hereditary coproporphyria porphyria; Porphyria hepatica coproporphyria; Porphyria hepatica II; CPRO deficiency; COPROPORPHYRINOGEN OXIDASE DEFICIENCY; CPO DEFICIENCY. Identifiers: Orphanet 79273, MedGen C0162531, MONDO:0007369, OMIM 121300.

gnomAD v4.1: 4 of 1,607,524 alleles (0.00025%); highest among the groups gnomAD compares: East Asian, 0.0022%; no homozygotes.

Submission:

Genetics Department, Catlab
Classification: Likely pathogenic for Hereditary coproporphyria. Last evaluated: 2025-07-04. Review status: criteria provided, single submitter. Criteria: ACMG Guidelines, 2015. Collection method: clinical testing. Allele origin: germline. Affected: yes. Observed: 1 variant allele.
Comment: The c.1276C>T variant is a loss of function variant not predicted to undergo nonsense mediated decay and loss of function variants have been described as a causing mechanism for the gene (PVS1_strong). It has been previously identified in several affected patients (PMID: 15896662, 11309681, 30476629) (PS4_moderate). The variant has an allele frequency of 2.4883e-06 at gnomAD v4.1 (PM2_moderate). With all the available evidence, the variant is classified as likely pathogenic. Moreover, the variant was identified in a patient with a highly specific phenotype (PP4_supporting). With all the available evidence, the variant is classified as likely pathogenic.

Literature cited by the submitters: PubMed 15896662; PubMed 11309681; PubMed 30476629.

NM_000097.7(CPOX):c.1276C>T (p.Arg426Ter)

Gene: CPOX (coproporphyrinogen oxidase; minus strand). Cytogenetic location: 3q11.2.
Variant type: single nucleotide variant.
Coding change: c.1276C>T on transcript NM_000097.7 (MANE Select); coding-DNA position 1276, C replaced by T.
Protein change: p.Arg426Ter; replaces arginine 426 with a stop codon.
Molecular consequence: nonsense.
Genome position (GRCh38, 1-based): chr3:98,581,408, G>A on the plus strand (C>T on the coding strand, the complement: CPOX is on the minus strand). VCF-style: chr3-98581408-G-A. GRCh37 (hg19) VCF-style: chr3-98300252-G-A.
Other names: short protein forms R426*.
Identifiers: ClinVar variation 4537364 (VCV004537364.1).
Genomic context (GRCh38, chr3:98,581,408, plus strand): 5'-TGTGGGTGTTTGGGAATTGGGAGTGTAGGGATAACTACTAAAATGAGTTATCTCCTTACC[G>A]GGCAGTTAGAGGTAAAGACATCAAGATACTTTCAATTCTGGATCCTGGAGTGAAGAGGCC-3'